The following is an entry in ClinVar:

ClinVar aggregate classification (germline): Uncertain significance. Review status: criteria provided, multiple submitters, no conflicts (2 of 4 stars). 2 submissions from 2 submitters: Uncertain significance (2). Last evaluated 2026-05-12.

Conditions:
TRIM63-related disorder. Also called: TRIM63-related condition.

Submissions (2):

PreventionGenetics, part of Exact Sciences
Classification: Uncertain significance for TRIM63-related condition. Last evaluated: 2026-05-12. Review status: criteria provided, single submitter. Criteria: ACMG Guidelines, 2015. Collection method: clinical testing. Allele origin: germline.
Comment: The TRIM63 c.203T>C variant is predicted to result in the amino acid substitution p.Met68Thr. To our knowledge, this variant has not been reported in the literature or in a large population database (gnomAD), indicating this variant is rare. At this time, the clinical significance of this variant is uncertain due to the absence of conclusive functional and genetic evidence.

Mayo Clinic Laboratories, Mayo Clinic
Classification: Uncertain significance. Last evaluated: 2025-04-01. Review status: criteria provided, single submitter. Criteria: ACMG Guidelines, 2015. Collection method: clinical testing. Allele origin: germline. Observed: 1 variant allele.
Comment: BP4_moderate, PM2_supporting

NM_032588.4(TRIM63):c.203T>C (p.Met68Thr)

Gene: TRIM63 (tripartite motif containing 63; minus strand). Cytogenetic location: 1p36.11.
Variant type: single nucleotide variant.
Coding change: c.203T>C on transcript NM_032588.4 (MANE Select); coding-DNA position 203, T replaced by C.
Protein change: p.Met68Thr; replaces methionine 68 with threonine.
Molecular consequence: missense variant.
Genome position (GRCh38, 1-based): chr1:26,066,397, A>G on the plus strand (T>C on the coding strand, the complement: TRIM63 is on the minus strand). VCF-style: chr1-26066397-A-G. GRCh37 (hg19) VCF-style: chr1-26392888-A-G.
Other names: p.Met68Thr; short protein forms M68T.
Identifiers: ClinVar variation 4540928 (VCV004540928.2).